The following is an entry in ClinVar:

ClinVar aggregate classification (germline): Conflicting classifications of pathogenicity. Review status: criteria provided, conflicting classifications (1 of 4 stars). 4 submissions from 4 submitters: Uncertain significance (1); Benign (1); Likely benign (1). 1 of the submissions does not count toward it. Last evaluated 2024-09-03.

Conditions:
ARID1A-related disorder. Also called: ARID1A-related condition.

Allele frequency attached by ClinVar (database versions not stated): ExAC 0.00004; TOPMed 0.00005; gnomAD 0.00006; ESP Exome Variant Server 0.00008.
gnomAD v4.1: 62 of 1,590,272 alleles (0.0039%); highest among the groups gnomAD compares: Non-Finnish European, 0.005%; no homozygotes.

Submissions (4):

Labcorp Genetics (formerly Invitae), Labcorp
Classification: Benign. Last evaluated: 2024-09-03. Review status: criteria provided, single submitter. Criteria: Invitae Variant Classification Sherloc (09022015). Collection method: clinical testing. Allele origin: germline.

Blueprint Genetics
Classification: Likely benign. Last evaluated: 2019-04-23. Review status: criteria provided, single submitter. Criteria: ACMG Guidelines, 2015. Collection method: clinical testing. Allele origin: germline.

Eurofins Ntd Llc (ga)
Classification: Uncertain significance. Last evaluated: 2017-01-20. Review status: criteria provided, single submitter. Criteria: EGL Classification Definitions 2015. Collection method: clinical testing. Allele origin: germline. Observed: 1 variant allele, 1 heterozygote.

PreventionGenetics, part of Exact Sciences
Classification: Uncertain significance for ARID1A-related condition. Last evaluated: 2024-08-19. Review status: no assertion criteria provided. Collection method: clinical testing. Allele origin: germline. Not counted in ClinVar's aggregate classification.
Comment: The ARID1A c.5246G>A variant is predicted to result in the amino acid substitution p.Arg1749Lys. To our knowledge, this variant has not been reported in the literature. This variant is reported in 0.0073% of alleles in individuals of European (Non-Finnish) descent in gnomAD, which may be too common to be causative. Although we suspect that this variant may be benign, at this time, the clinical significance of this variant is uncertain due to the absence of conclusive functional and genetic evidence.

NM_006015.6(ARID1A):c.5246G>A (p.Arg1749Lys)

Gene: ARID1A (AT-rich interaction domain 1A; plus strand). Cytogenetic location: 1p36.11.
Variant type: single nucleotide variant.
Coding change: c.5246G>A on transcript NM_006015.6 (MANE Select); coding-DNA position 5246, G replaced by A.
Protein change: p.Arg1749Lys; replaces arginine 1749 with lysine.
Molecular consequence: missense variant.
Genome position (GRCh38, 1-based): chr1:26,779,144, G>A. VCF-style: chr1-26779144-G-A. GRCh37 (hg19) VCF-style: chr1-27105635-G-A.
Other names: c.5246G>A (NM_006015.4); c.4595G>A, p.Arg1532Lys (NM_139135.4); short protein forms R1749K, R1532K.
Identifiers: ClinVar variation 500040 (VCV000500040.10), dbSNP rs370901533, ClinGen allele CA707652.